The following is an entry in ClinVar:

NM_006231.4(POLE):c.815T>G (p.Leu272Trp)

Gene: POLE (DNA polymerase epsilon, catalytic subunit; minus strand). Cytogenetic location: 12q24.33.
Variant type: single nucleotide variant.
Coding change: c.815T>G on transcript NM_006231.4 (MANE Select); coding-DNA position 815, T replaced by G.
Protein change: p.Leu272Trp; replaces leucine 272 with tryptophan.
Molecular consequence: missense variant.
Genome position (GRCh38, 1-based): chr12:132,676,640, A>C on the plus strand (T>G on the coding strand, the complement: POLE is on the minus strand). VCF-style: chr12-132676640-A-C. GRCh37 (hg19) VCF-style: chr12-133253226-A-C.
Other names: short protein forms L272W.
Identifiers: ClinVar variation 1008703 (VCV001008703.8), dbSNP rs2043060351, ClinGen allele CA387364361.

ClinVar aggregate classification (germline): Uncertain significance (1 of 4 stars; one submission).

Submission:

Labcorp Genetics (formerly Invitae), Labcorp
Classification: Uncertain significance. Last evaluated: 2020-04-01. Review status: criteria provided, single submitter. Criteria: Invitae Variant Classification Sherloc (09022015). Collection method: clinical testing. Allele origin: germline.
Comment: This sequence change replaces leucine with tryptophan at codon 272 of the POLE protein (p.Leu272Trp). The leucine residue is highly conserved and there is a small physicochemical difference between leucine and tryptophan. In summary, the available evidence is currently insufficient to determine the role of this variant in disease. Therefore, it has been classified as a Variant of Uncertain Significance. Algorithms developed to predict the effect of missense changes on protein structure and function (SIFT, PolyPhen-2, Align-GVGD) all suggest that this variant is likely to be disruptive, but these predictions have not been confirmed by published functional studies and their clinical significance is uncertain. This variant has not been reported in the literature in individuals with POLE-related conditions. This variant is not present in population databases (ExAC no frequency).